The following is an entry in ClinVar:

NM_001375808.2(LPIN2):c.2443-14A>G

Gene: LPIN2 (lipin 2; minus strand). Cytogenetic location: 18p11.31.
Variant type: single nucleotide variant.
Coding change: c.2443-14A>G on transcript NM_001375808.2 (MANE Select); 14 bases into the intron before coding-DNA position 2443, A replaced by G.
Molecular consequence: intron variant.
Genome position (GRCh38, 1-based): chr18:2,920,895, T>C on the plus strand (A>G on the coding strand, the complement: LPIN2 is on the minus strand). VCF-style: chr18-2920895-T-C. GRCh37 (hg19) VCF-style: chr18-2920893-T-C.
Other names: c.2443-14A>G (NM_014646.2, NM_001375809.1).
Identifiers: ClinVar variation 246269 (VCV000246269.10), dbSNP rs749926941, ClinGen allele CA8872709.

ClinVar aggregate classification (germline): Likely benign. Review status: criteria provided, multiple submitters, no conflicts (2 of 4 stars). 3 submissions from 3 submitters: Likely benign (3). Last evaluated 2026-01-27.

Conditions:
Majeed syndrome (MJDS). Also called: CHRONIC RECURRENT MULTIFOCAL OSTEOMYELITIS 1, WITH CONGENITAL DYSERYTHROPOIETIC ANEMIA, WITH OR WITHOUT NEUTROPHILIC DERMATOSIS; LPIN2-Related Majeed Syndrome. Identifiers: Orphanet 77297, MedGen C1864997, MONDO:0012316, OMIM 609628.

Allele frequency attached by ClinVar (database versions not stated): gnomAD 0.00001; ExAC 0.00004; gnomAD exomes 0.00006; TOPMed 0.00006.
gnomAD v4.1: 35 of 1,570,358 alleles (0.0022%); highest among the groups gnomAD compares: Admixed American, 0.028%; no homozygotes.

Submissions (3):

Labcorp Genetics (formerly Invitae), Labcorp
Classification: Likely benign for Majeed syndrome. Last evaluated: 2026-01-27. Review status: criteria provided, single submitter. Criteria: Invitae Variant Classification Sherloc (09022015). Collection method: clinical testing. Allele origin: germline.

Blueprint Genetics
Classification: Likely benign. Last evaluated: 2024-01-29. Review status: criteria provided, single submitter. Criteria: ACMG Guidelines, 2015. Collection method: clinical testing. Allele origin: germline.

GeneDx
Classification: Likely benign. Last evaluated: 2015-12-30. Review status: criteria provided, single submitter. Criteria: GeneDx Variant Classification (06012015). Collection method: clinical testing. Allele origin: germline. Affected: yes.
Comment: This variant is considered likely benign or benign based on one or more of the following criteria: it is a conservative change, it occurs at a poorly conserved position in the protein, it is predicted to be benign by multiple in silico algorithms, and/or has population frequency not consistent with disease.